The following is an entry in ClinVar:

NM_018699.4(PRDM5):c.1785_1786del (p.His595fs)

Gene: PRDM5 (PR/SET domain 5; minus strand). Cytogenetic location: 4q27.
Variant type: Deletion.
Coding change: c.1785_1786del on transcript NM_018699.4 (MANE Select); coding-DNA positions 1785 to 1786, 2 bases deleted (TA; older notation c.1785_1786delTA).
Protein change: p.His595fs; shifts the reading frame from histidine 595.
Molecular consequence: frameshift variant. On other transcripts: 3 prime UTR variant (1).
Genome position (GRCh38, 1-based): chr4:120,695,218-120,695,219, TA deleted on the plus strand (TA on the coding strand, the reverse complement: PRDM5 is on the minus strand); deleting any 2 consecutive bases within chr4:120,695,218-120,695,220 gives the same sequence; the c. name uses the placement nearest the transcript's 3' end. VCF-style (leftmost placement, unchanged base first): chr4-120695217-TTA-T. GRCh37 (hg19) VCF-style: chr4-121616372-TTA-T.
Other names: c.1692_1693del, p.His564fs (NM_001300823.2); c.*100_*101del (NM_001300824.2); c.1818_1819del, p.His606fs (NM_001379104.1); c.1587_1588del, p.His529fs (NM_001379106.1); short protein forms H529fs, H564fs, H595fs, H606fs.
Identifiers: ClinVar variation 1683364 (VCV001683364.1), dbSNP rs1734381962, ClinGen allele CA1489495519.

ClinVar aggregate classification (germline): Likely pathogenic (1 of 4 stars; one submission).

Conditions:
Brittle cornea syndrome 2 (BCS2). Identifiers: Orphanet 90354, MedGen C3280011, MONDO:0013605, OMIM 614170.

Submission:

Women's Health and Genetics/Laboratory Corporation of America, LabCorp
Classification: Likely pathogenic for Brittle cornea syndrome 2. Last evaluated: 2022-04-20. Review status: criteria provided, single submitter. Criteria: LabCorp Variant Classification Summary - May 2015. Collection method: clinical testing. Allele origin: germline.
Comment: Variant summary: PRDM5 c.1785_1786delTA (p.His595GlnfsX14) results in a premature termination codon within the last exon, predicted to cause a truncation of the encoded protein, which is a commonly known mechanism for disease. This truncation is expected to abolish the last 22 amino acids and eliminate the majority of the most C-terminal zinc finger domain of the protein. The variant was absent in 250858 control chromosomes (gnomAD). To our knowledge, no occurrence of c.1785_1786delTA in individuals affected with Brittle Cornea Syndrome 2 and no experimental evidence demonstrating its impact on protein function have been reported. Nevertheless, other truncations within the last exon of PRDM5 have been reported in patients affected with Brittle Cornea Syndrome. Specifically, a truncation upstream of the variant (c.1768C>T, p.Arg590X) was reported in multiple homozygous affected individuals from one family (PMID: 21664999), while a truncation downstream of the variant (c.1858delC, p.His620ThrfsX8) has also been reported in one homozygous affected individual (PMID: 33739556). No clinical diagnostic laboratories have submitted clinical-significance assessments for this variant to ClinVar after 2014. Based on the evidence outlined above, the variant was classified as likely pathogenic.